The following is an entry in ClinVar:

ClinVar aggregate classification (germline): Likely pathogenic. Review status: criteria provided, multiple submitters, no conflicts (2 of 4 stars). 2 submissions from 2 submitters: Likely pathogenic (2). Last evaluated 2024-05-14.

Conditions:
Peroxisome biogenesis disorder 2B (PBD2B). Identifiers: Orphanet 44, MedGen C3550234, MONDO:0008736, OMIM 202370.

Submissions (2):

Labcorp Genetics (formerly Invitae), Labcorp
Classification: Likely pathogenic for Peroxisome biogenesis disorder 2B. Last evaluated: 2024-05-14. Review status: criteria provided, single submitter. Criteria: Invitae Variant Classification Sherloc (09022015). Collection method: clinical testing. Allele origin: germline.
Comment: This sequence change affects an acceptor splice site in intron 9 of the PEX5 gene. It is expected to disrupt RNA splicing. Variants that disrupt the donor or acceptor splice site typically lead to a loss of protein function (PMID: 16199547), and loss-of-function variants in PEX5 are known to be pathogenic (PMID: 18712838, 21031596). This variant is not present in population databases (gnomAD no frequency). This variant has not been reported in the literature in individuals affected with PEX5-related conditions. ClinVar contains an entry for this variant (Variation ID: 2418652). Algorithms developed to predict the effect of sequence changes on RNA splicing suggest that this variant may disrupt the consensus splice site. In summary, the currently available evidence indicates that the variant is pathogenic, but additional data are needed to prove that conclusively. Therefore, this variant has been classified as Likely Pathogenic.

GeneDx
Classification: Likely pathogenic. Last evaluated: 2022-12-19. Review status: criteria provided, single submitter. Criteria: GeneDx Variant Classification Process June 2021. Collection method: clinical testing. Allele origin: germline. Affected: yes.
Comment: Identified using alternate nomenclature c.892-2A>G in the single heterozygous state in an individual undergoing exome sequencing for population carrier screening (Quaio et al., 2021); Canonical splice site variant expected to result in aberrant splicing, although in the absence of functional evidence the actual effect of this sequence change is unknown.; Not observed at significant frequency in large population cohorts (gnomAD); This variant is associated with the following publications: (PMID: 34269512)

Literature cited by the submitters: PubMed 16199547 (cited by Labcorp Genetics (formerly Invitae), Labcorp); PubMed 18712838 (cited by Labcorp Genetics (formerly Invitae), Labcorp); PubMed 21031596 (cited by Labcorp Genetics (formerly Invitae), Labcorp).

NM_001351132.2(PEX5):c.847-2A>G

Gene: PEX5 (peroxisomal biogenesis factor 5; plus strand). Cytogenetic location: 12p13.31.
Variant type: single nucleotide variant.
Coding change: c.847-2A>G on transcript NM_001351132.2 (MANE Select); the canonical splice acceptor site of the intron before coding-DNA position 847, A replaced by G.
Molecular consequence: splice acceptor variant. On other transcripts: intron variant (4).
Genome position (GRCh38, 1-based): chr12:7,203,430, A>G. VCF-style: chr12-7203430-A-G. GRCh37 (hg19) VCF-style: chr12-7356026-A-G.
Other names: c.736-2A>G (NM_001351124.3, NM_001351126.2, NM_001374646.1 and 7 more transcripts); c.847-2A>G (NM_001131026.2, NM_001351131.2, NM_001374647.2 and 5 more transcripts); c.736-26A>G (NM_001374649.2, NM_001351140.2, NM_001351139.2); c.781-2A>G (NM_001351135.3, NM_001351138.2); c.892-2A>G (NM_001131023.2); c.847-26A>G (NM_000319.5).
Identifiers: ClinVar variation 2418652 (VCV002418652.8), dbSNP rs2540182543, ClinGen allele CA383726177.